The following is an entry in ClinVar:

ClinVar aggregate classification (germline): Uncertain significance. Review status: criteria provided, multiple submitters, no conflicts (2 of 4 stars). 3 submissions from 3 submitters: Uncertain significance (3). Last evaluated 2024-07-05.

Conditions:
Alzheimer disease. Also called: Alzheimer's disease; Presenile and senile dementia. Identifiers: Orphanet 1020, MedGen C0002395, MeSH D000544, MONDO:0004975, HP:0002511.

Allele frequency attached by ClinVar (database versions not stated): gnomAD 0.00001; gnomAD exomes 0.00001; TOPMed 0.00002.
gnomAD v4.1: 15 of 1,613,472 alleles (0.00093%); highest among the groups gnomAD compares: Non-Finnish European, 0.0012%; no homozygotes.

Submissions (3):

Athena Diagnostics
Classification: Uncertain significance. Last evaluated: 2024-07-05. Review status: criteria provided, single submitter. Criteria: Athena Diagnostics Criteria. Collection method: clinical testing. Allele origin: unknown.
Comment: Available data are insufficient to determine the clinical significance of the variant at this time. The frequency of this variant in the general population is uninformative in assessment of its pathogenicity. Polyphen and MutationTaster predict this amino acid change may be benign.

Women's Health and Genetics/Laboratory Corporation of America, LabCorp
Classification: Uncertain significance. Last evaluated: 2024-07-05. Review status: criteria provided, single submitter. Criteria: LabCorp Variant Classification Summary - May 2015. Collection method: clinical testing. Allele origin: germline.
Comment: Variant summary: APP c.820A>G (p.Thr274Ala) results in a non-conservative amino acid change in the encoded protein sequence. Three of five in-silico tools predict a benign effect of the variant on protein function. The variant allele was found at a frequency of 8.1e-06 in 247896 control chromosomes. The available data on variant occurrences in the general population are insufficient to allow any conclusion about variant significance. To our knowledge, no occurrence of c.820A>G in individuals affected with Cerebral Amyloid Angiopathy, APP-Related or Alzheimer Disease, and no experimental evidence demonstrating its impact on protein function have been reported. ClinVar contains an entry for this variant (Variation ID: 1491754). Based on the evidence outlined above, the variant was classified as uncertain significance.

Labcorp Genetics (formerly Invitae), Labcorp
Classification: Uncertain significance for Alzheimer disease. Last evaluated: 2024-03-11. Review status: criteria provided, single submitter. Criteria: Invitae Variant Classification Sherloc (09022015). Collection method: clinical testing. Allele origin: germline.
Comment: This sequence change replaces threonine, which is neutral and polar, with alanine, which is neutral and non-polar, at codon 274 of the APP protein (p.Thr274Ala). This variant is present in population databases (rs200159151, gnomAD 0.0009%). This variant has not been reported in the literature in individuals affected with APP-related conditions. ClinVar contains an entry for this variant (Variation ID: 1491754). Advanced modeling of protein sequence and biophysical properties (such as structural, functional, and spatial information, amino acid conservation, physicochemical variation, residue mobility, and thermodynamic stability) performed at Invitae indicates that this missense variant is not expected to disrupt APP protein function with a negative predictive value of 95%. In summary, the available evidence is currently insufficient to determine the role of this variant in disease. Therefore, it has been classified as a Variant of Uncertain Significance.

NM_000484.4(APP):c.820A>G (p.Thr274Ala)

Gene: APP (amyloid beta precursor protein; minus strand). Cytogenetic location: 21q21.3.
Variant type: single nucleotide variant.
Coding change: c.820A>G on transcript NM_000484.4 (MANE Select); coding-DNA position 820, A replaced by G.
Protein change: p.Thr274Ala; replaces threonine 274 with alanine.
Molecular consequence: missense variant.
Genome position (GRCh38, 1-based): chr21:26,021,885, T>C on the plus strand (A>G on the coding strand, the complement: APP is on the minus strand). VCF-style: chr21-26021885-T-C. GRCh37 (hg19) VCF-style: chr21-27394201-T-C.
Other names: c.805A>G, p.Thr269Ala (NM_001136016.3); c.652A>G, p.Thr218Ala (NM_001136129.3, NM_001136130.3); c.715A>G, p.Thr239Ala (NM_001136131.3); c.820A>G, p.Thr274Ala (NM_001204301.2, NM_001204302.2, NM_001204303.2 and 3 more transcripts); c.820A>G (NM_000484.3); short protein forms T269A, T274A, T218A, T239A.
Identifiers: ClinVar variation 1491754 (VCV001491754.10), dbSNP rs200159151, ClinGen allele CA319554517.
Genomic context (GRCh38, chr21:26,021,885, plus strand): 5'-CAAATGGTGGATTACCTCGAACCACCTCTTCCACAGACTCTGTGGTGGTGGTGGTGGTGG[T>C]GGCAATGCTGGTGGTTCTCTCTGTGGCTTCTTCGTAGGGTTCCTCAGCCTCTTCCTCTAC-3'
Protein context (NP_000475.1, residues 264-284): EATERTTSIA[Thr274Ala]TTTTTTESVE